The following is an entry in ClinVar:

NM_000548.5(TSC2):c.4439T>A (p.Leu1480Ter)

Gene: TSC2 (TSC complex subunit 2; plus strand). Cytogenetic location: 16p13.3.
Variant type: single nucleotide variant.
Coding change: c.4439T>A on transcript NM_000548.5 (MANE Select); coding-DNA position 4439, T replaced by A.
Protein change: p.Leu1480Ter; replaces leucine 1480 with a stop codon.
Molecular consequence: nonsense.
Genome position (GRCh38, 1-based): chr16:2,084,661, T>A. VCF-style: chr16-2084661-T-A. GRCh37 (hg19) VCF-style: chr16-2134662-T-A.
Other names: c.4238T>A, p.Leu1413Ter (NM_001077183.3); c.4370T>A, p.Leu1457Ter (NM_001114382.3); c.4130T>A, p.Leu1377Ter (NM_001318827.2); c.4094T>A, p.Leu1365Ter (NM_001318829.2); c.3707T>A, p.Leu1236Ter (NM_001318831.2); c.4271T>A, p.Leu1424Ter (NM_001318832.2); c.4241T>A, p.Leu1414Ter (NM_001363528.2); c.4307T>A, p.Leu1436Ter (NM_001370404.1); and 1 more; short protein forms L1480*, L1236*, L1414*, L1436*, L1437*, L1424*, L1365*, L1377*.
Identifiers: ClinVar variation 49926 (VCV000049926.8), dbSNP rs45446594, ClinGen allele CA020472.

ClinVar aggregate classification (germline): Pathogenic. Review status: criteria provided, single submitter (1 of 4 stars). 2 submissions from 2 submitters: Pathogenic (1). 1 of the submissions does not count toward it. Last evaluated 2021-07-28.
ClinVar aggregate classification (oncogenicity): Likely oncogenic (1 of 4 stars; one submission).

Conditions:
Tuberous sclerosis syndrome (TSC). Also called: Tuberous Sclerosis Complex; Tuberous sclerosis. Identifiers: Orphanet 805, MedGen C0041341, MONDO:0001734.
Tuberous sclerosis 2 (TSC2). Identifiers: Orphanet 805, MedGen C1860707, MONDO:0013199, OMIM 613254.
Neoplasm. Also called: tumor; Neoplasms; Neoplasm (disease). Identifiers: MedGen C0027651, MeSH D009369, MONDO:0005070, HP:0002664.

Submissions (3):

Center for Genomic Medicine, Rigshospitalet, Copenhagen University Hospital
Classification: Likely oncogenic for Neoplasm. Last evaluated: 2025-03-04. Review status: criteria provided, single submitter. Criteria: ClinGen/CGC/VICC Guidelines for Oncogenicity, 2022. Collection method: clinical testing. Allele origin: somatic. Affected: yes.

Labcorp Genetics (formerly Invitae), Labcorp
Classification: Pathogenic for Tuberous sclerosis 2. Last evaluated: 2021-07-28. Review status: criteria provided, single submitter. Criteria: Invitae Variant Classification Sherloc (09022015). Collection method: clinical testing. Allele origin: germline.
Comment: For these reasons, this variant has been classified as Pathogenic. ClinVar contains an entry for this variant (Variation ID: 49926). This premature translational stop signal has been observed in individual(s) with tuberous Sclerosis (PMID: 11112665). This variant is not present in population databases (ExAC no frequency). This sequence change creates a premature translational stop signal (p.Leu1480*) in the TSC2 gene. It is expected to result in an absent or disrupted protein product. Loss-of-function variants in TSC2 are known to be pathogenic (PMID: 10205261, 17304050).

Tuberous sclerosis database (TSC2)
No classification provided. Condition: TSC. Review status: no classification provided. Criteria: Tuberous Sclerosis Database Assertion Criteria 2015. Collection method: curation. Allele origin: germline. Affected: yes. Not counted in ClinVar's aggregate classification.

Literature cited by the submitters: PubMed 22903760 (cited by Center for Genomic Medicine, Rigshospitalet, Copenhagen University Hospital); PubMed 11112665 (cited by Labcorp Genetics (formerly Invitae), Labcorp); PubMed 10205261 (cited by Labcorp Genetics (formerly Invitae), Labcorp); PubMed 17304050 (cited by Labcorp Genetics (formerly Invitae), Labcorp).